The following is an entry in ClinVar:

ClinVar aggregate classification (germline): Uncertain significance. Review status: criteria provided, multiple submitters, no conflicts (2 of 4 stars). 5 submissions from 3 submitters: Uncertain significance (5). Last evaluated 2025-06-02.

Conditions:
Drash syndrome (DDS). Also called: WILMS TUMOR AND PSEUDO- OR TRUE HERMAPHRODITISM; NEPHROPATHY, WILMS TUMOR, AND GENITAL ANOMALIES. Identifiers: Orphanet 220, MedGen C0950121, MONDO:0008682, OMIM 194080.
Frasier syndrome. Identifiers: Orphanet 347, MedGen C0950122, MeSH D052159, MONDO:0007635, OMIM 136680.
Wilms tumor 1 (WT1). Also called: Wilms tumor, somatic. Identifiers: Orphanet 654, MedGen CN033288, MONDO:0008679, OMIM 194070.
11p partial monosomy syndrome (WAGR). Also called: WAGR Complex; CHROMOSOME 11p13 DELETION SYNDROME; WAGR syndrome; WAGR Spectrum Disorder. Identifiers: Orphanet 893, MedGen C0206115, MONDO:0008681, OMIM 194072.
Inborn genetic diseases. Identifiers: MedGen C0950123, MeSH D030342.
Meacham syndrome. Also called: Meacham Winn Culler syndrome. Identifiers: Orphanet 3097, MedGen C1837026, MONDO:0012164, OMIM 608978.
Nephrotic syndrome, type 4 (NPHS4). Also called: Familial mesangial sclerosis; Nephrotic syndrome, early onset with diffuse mesangial sclerosis. Identifiers: Orphanet 656, MedGen C3151568, MONDO:0009733, OMIM 256370.

Allele frequency attached by ClinVar (database versions not stated): gnomAD exomes below 0.00001.
gnomAD v4.1: 1 of 1,464,514 alleles (0.000068%); highest among the groups gnomAD compares: East Asian, 0.0028%; no homozygotes.

Submissions (5):

Ambry Genetics
Classification: Uncertain significance for Inborn genetic diseases. Last evaluated: 2025-06-02. Review status: criteria provided, single submitter. Criteria: Ambry Variant Classification Scheme 2023. Collection method: clinical testing. Allele origin: germline.
Comment: The p.A100S variant (also known as c.298G>T), located in coding exon 1 of the WT1 gene, results from a G to T substitution at nucleotide position 298. The alanine at codon 100 is replaced by serine, an amino acid with similar properties. This amino acid position is conserved. In addition, this alteration is predicted to be tolerated by in silico analysis. Based on the available evidence, the clinical significance of this variant remains unclear.

Labcorp Genetics (formerly Invitae), Labcorp
Classification: Uncertain significance for Wilms tumor 1; Drash syndrome; 11p partial monosomy syndrome; Frasier syndrome. Last evaluated: 2023-11-04. Review status: criteria provided, single submitter. Criteria: Invitae Variant Classification Sherloc (09022015). Collection method: clinical testing. Allele origin: germline.
Comment: This sequence change replaces alanine, which is neutral and non-polar, with serine, which is neutral and polar, at codon 100 of the WT1 protein (p.Ala100Ser). The frequency data for this variant in the population databases is considered unreliable, as metrics indicate poor data quality at this position in the gnomAD database. This variant has not been reported in the literature in individuals affected with WT1-related conditions. ClinVar contains an entry for this variant (Variation ID: 840419). An algorithm developed to predict the effect of missense changes on protein structure and function (PolyPhen-2) suggests that this variant is likely to be tolerated. In summary, the available evidence is currently insufficient to determine the role of this variant in disease. Therefore, it has been classified as a Variant of Uncertain Significance.

Illumina Laboratory Services, Illumina
Classification: Uncertain significance for Wilms tumor 1. Last evaluated: 2018-01-13. Review status: criteria provided, single submitter. Criteria: ICSL Variant Classification Criteria 13 December 2019. Collection method: clinical testing. Allele origin: germline.

Illumina Laboratory Services, Illumina
Classification: Uncertain significance for Meacham syndrome. Last evaluated: 2018-01-13. Review status: criteria provided, single submitter. Criteria: ICSL Variant Classification Criteria 13 December 2019. Collection method: clinical testing. Allele origin: germline.

Illumina Laboratory Services, Illumina
Classification: Uncertain significance for Nephrotic syndrome, type 4. Last evaluated: 2018-01-13. Review status: criteria provided, single submitter. Criteria: ICSL Variant Classification Criteria 13 December 2019. Collection method: clinical testing. Allele origin: germline.

NM_024426.6(WT1):c.313G>T (p.Ala105Ser)

Genes: WT1 (WT1 transcription factor; minus strand), LOC107982234 (WT1/WT1-AS bi-directional promoter region; plus strand). Cytogenetic location: 11p13.
Variant type: single nucleotide variant.
Coding change: c.313G>T on transcript NM_024426.6 (MANE Select); coding-DNA position 313, G replaced by T.
Protein change: p.Ala105Ser; replaces alanine 105 with serine.
Molecular consequence: missense variant. On other transcripts: non-coding transcript variant (1).
Genome position (GRCh38, 1-based): chr11:32,435,048, C>A on the plus strand (G>T on the coding strand, the complement: WT1 is on the minus strand). VCF-style: chr11-32435048-C-A. GRCh37 (hg19) VCF-style: chr11-32456594-C-A.
Other names: c.313G>T, p.Ala105Ser (NM_024424.5, NM_000378.6); short protein forms A105S.
Identifiers: ClinVar variation 840419 (VCV000840419.14), dbSNP rs1236417259, ClinGen allele CA379965948.